The following is an entry in ClinVar:

ClinVar aggregate classification (germline): Uncertain significance (1 of 4 stars; one submission).

Conditions:
Spastic paraplegia. Identifiers: MedGen C0037772, HP:0001258.

Submission:

Labcorp Genetics (formerly Invitae), Labcorp
Classification: Uncertain significance for Spastic paraplegia. Last evaluated: 2025-08-30. Review status: criteria provided, single submitter. Criteria: Invitae Variant Classification Sherloc (09022015). Collection method: clinical testing. Allele origin: germline.
Comment: This sequence change replaces alanine, which is neutral and non-polar, with proline, which is neutral and non-polar, at codon 980 of the KIF5A protein (p.Ala980Pro). This variant is not present in population databases (gnomAD no frequency). This variant has not been reported in the literature in individuals affected with KIF5A-related conditions. Invitae Evidence Modeling of protein sequence and biophysical properties (such as structural, functional, and spatial information, amino acid conservation, physicochemical variation, residue mobility, and thermodynamic stability) indicates that this missense variant is not expected to disrupt KIF5A protein function with a negative predictive value of 95%. In summary, the available evidence is currently insufficient to determine the role of this variant in disease. Therefore, it has been classified as a Variant of Uncertain Significance.

NM_004984.4(KIF5A):c.2938G>C (p.Ala980Pro)

Gene: KIF5A (kinesin family member 5A; plus strand). Cytogenetic location: 12q13.3.
Variant type: single nucleotide variant.
Coding change: c.2938G>C on transcript NM_004984.4 (MANE Select); coding-DNA position 2938, G replaced by C.
Protein change: p.Ala980Pro; replaces alanine 980 with proline.
Molecular consequence: missense variant.
Genome position (GRCh38, 1-based): chr12:57,581,898, G>C. VCF-style: chr12-57581898-G-C. GRCh37 (hg19) VCF-style: chr12-57975681-G-C.
Other names: c.2671G>C, p.Ala891Pro (NM_001354705.2); short protein forms A891P, A980P.
Identifiers: ClinVar variation 4778127 (VCV004778127.1).
Genomic context (GRCh38, chr12:57,581,898, plus strand): 5'-CAGAGGCTGCCTCTTTCCTCTGCTCCATCCAGCTTTGCAAACTCCTGTACCAGCAGTGGA[G>C]CCACATCTTCTGGCGGCCCCTTGGCTTCCTACCAGAAGGCCAACATGGACAATGGTGAGT-3'
Protein context (NP_004975.2, residues 970-990): YFANSCTSSG[Ala980Pro]TSSGGPLASY